The following is an entry in ClinVar:

ClinVar aggregate classification (germline): Uncertain significance (1 of 4 stars; one submission).

Conditions:
Familial hemophagocytic lymphohistiocytosis 2 (FHL2). Also called: PRF1-Related Familial Hemophagocytic Lymphohistiocytosis (PRF1-fHLH). Identifiers: Orphanet 540, MedGen C1863727, MONDO:0011337, OMIM 603553.

gnomAD v4.1: 39 of 1,613,934 alleles (0.0024%); highest among the groups gnomAD compares: Admixed American, 0.0083%; no homozygotes.

Submission:

Labcorp Genetics (formerly Invitae), Labcorp
Classification: Uncertain significance for Familial hemophagocytic lymphohistiocytosis 2. Last evaluated: 2024-02-13. Review status: criteria provided, single submitter. Criteria: Invitae Variant Classification Sherloc (09022015). Collection method: clinical testing. Allele origin: germline.
Comment: This sequence change replaces valine, which is neutral and non-polar, with leucine, which is neutral and non-polar, at codon 348 of the PRF1 protein (p.Val348Leu). This variant is present in population databases (rs776338709, gnomAD 0.003%). This variant has not been reported in the literature in individuals affected with PRF1-related conditions. ClinVar contains an entry for this variant (Variation ID: 2140973). Algorithms developed to predict the effect of missense changes on protein structure and function output the following: SIFT: "Not Available"; PolyPhen-2: "Benign"; Align-GVGD: "Not Available". The leucine amino acid residue is found in multiple mammalian species, which suggests that this missense change does not adversely affect protein function. In summary, the available evidence is currently insufficient to determine the role of this variant in disease. Therefore, it has been classified as a Variant of Uncertain Significance.

NM_001083116.3(PRF1):c.1042G>C (p.Val348Leu)

Gene: PRF1 (perforin 1; minus strand). Cytogenetic location: 10q22.1.
Variant type: single nucleotide variant.
Coding change: c.1042G>C on transcript NM_001083116.3 (MANE Select); coding-DNA position 1042, G replaced by C.
Protein change: p.Val348Leu; replaces valine 348 with leucine.
Molecular consequence: missense variant.
Genome position (GRCh38, 1-based): chr10:70,598,679, C>G on the plus strand (G>C on the coding strand, the complement: PRF1 is on the minus strand). VCF-style: chr10-70598679-C-G. GRCh37 (hg19) VCF-style: chr10-72358435-C-G.
Other names: c.1042G>C, p.Val348Leu (NM_005041.6); short protein forms V348L.
Identifiers: ClinVar variation 2140973 (VCV002140973.2), dbSNP rs776338709, ClinGen allele CA5538840.